The following is an entry in ClinVar:

NM_004963.4(GUCY2C):c.1160A>G (p.Asp387Gly)

Genes: GUCY2C (guanylate cyclase 2C; minus strand), GUCY2C-AS1 (GUCY2C antisense RNA 1; plus strand). Cytogenetic location: 12p12.3.
Variant type: single nucleotide variant.
Coding change: c.1160A>G on transcript NM_004963.4 (MANE Select); coding-DNA position 1160, A replaced by G.
Protein change: p.Asp387Gly; replaces aspartic acid 387 with glycine.
Molecular consequence: missense variant.
Genome position (GRCh38, 1-based): chr12:14,672,883, T>C on the plus strand (A>G on the coding strand, the complement: GUCY2C is on the minus strand). VCF-style: chr12-14672883-T-C. GRCh37 (hg19) VCF-style: chr12-14825817-T-C.
Other names: short protein forms D387G.
Identifiers: ClinVar variation 31604 (VCV000031604.6), dbSNP rs587776905, ClinGen allele CA129840.
Genomic context (GRCh38, chr12:14,672,883, plus strand): 5'-CCTCACCCAGTCACAGCACCCTGAATTTTCTGATAAGCAGTGAGACATACTTTCTTGGTG[T>C]CCACAGAGGTATACAGAAGCACCATGGTACTGTCAACATCCCCCCAGTCATCCAAGGTCA-3'
Protein context (NP_004954.2, residues 377-397): STMVLLYTSV[Asp387Gly]TKKYKVLLTY

ClinVar aggregate classification (germline): Pathogenic. Review status: criteria provided, multiple submitters, no conflicts (2 of 4 stars). 3 submissions from 3 submitters: Pathogenic (2). 1 of the submissions does not count toward it. Last evaluated 2025-11-17.

Conditions:
GUCY2C-related disorders.
Meconium ileus. Identifiers: Orphanet 314376, MedGen C2939175, MONDO:0054868, HP:0004401.

Allele frequency attached by ClinVar (database versions not stated): gnomAD exomes below 0.00001; TOPMed 0.00001.
gnomAD v4.1: 2 of 1,591,566 alleles (0.00013%); highest among the groups gnomAD compares: Non-Finnish European, 0.000086%; no homozygotes.

Submissions (3):

Labcorp Genetics (formerly Invitae), Labcorp
Classification: Pathogenic. Last evaluated: 2025-11-17. Review status: criteria provided, single submitter. Criteria: Invitae Variant Classification Sherloc (09022015). Collection method: clinical testing. Allele origin: germline.
Comment: This sequence change replaces aspartic acid, which is acidic and polar, with glycine, which is neutral and non-polar, at codon 387 of the GUCY2C protein (p.Asp387Gly). This variant is present in population databases (no rsID available, gnomAD 0.0009%). This missense change has been observed in individual(s) with autosomal recessive meconium ileus (PMID: 22521417). It has also been observed to segregate with disease in related individuals. ClinVar contains an entry for this variant (Variation ID: 31604). Invitae Evidence Modeling of protein sequence and biophysical properties (such as structural, functional, and spatial information, amino acid conservation, physicochemical variation, residue mobility, and thermodynamic stability) indicates that this missense variant is not expected to disrupt GUCY2C protein function with a negative predictive value of 80%. Experimental studies have shown that this missense change affects GUCY2C function (PMID: 22521417). Algorithms developed to predict the effect of sequence changes on RNA splicing suggest that this variant may disrupt the consensus splice site. For these reasons, this variant has been classified as Pathogenic.

Blueprint Genetics
Classification: Pathogenic for GUCY2C-related disorders. Last evaluated: 2024-02-27. Review status: criteria provided, single submitter. Criteria: ACMG Guidelines, 2015. Collection method: clinical testing. Allele origin: germline. Affected: yes. Observed: 1 variant allele.

OMIM
Classification: Pathogenic for MECONIUM ILEUS. Last evaluated: 2012-05-04. Review status: no assertion criteria provided. Collection method: literature only. Allele origin: germline. Not counted in ClinVar's aggregate classification.

Literature cited by the submitters: PubMed 22521417 (cited by Labcorp Genetics (formerly Invitae), Labcorp and OMIM); PubMed 4006357 (cited by OMIM).